The following is an entry in ClinVar:

NM_006899.5(IDH3B):c.128_138del (p.Val43fs)

Gene: IDH3B (isocitrate dehydrogenase (NAD(+)) 3 non-catalytic subunit beta; minus strand). Cytogenetic location: 20p13.
Variant type: Deletion.
Coding change: c.128_138del on transcript NM_006899.5 (MANE Select); coding-DNA positions 128 to 138, 11 bases deleted (TGAGGGTGGAG).
Protein change: p.Val43fs; shifts the reading frame from valine 43.
Molecular consequence: frameshift variant. On other transcripts: non-coding transcript variant (1).
Genome position (GRCh38, 1-based): chr20:2,663,738-2,663,748, CTCCACCCTCA deleted on the plus strand (TGAGGGTGGAG on the coding strand, the reverse complement: IDH3B is on the minus strand); deleting any 11 consecutive bases within chr20:2,663,738-2,663,749 gives the same sequence; the c. name uses the placement nearest the transcript's 3' end. VCF-style (leftmost placement, unchanged base first): chr20-2663737-CCTCCACCCTCA-C. GRCh37 (hg19) VCF-style: chr20-2644383-CCTCCACCCTCA-C.
Other names: c.128_138del, p.Val43fs (NM_001258384.3, NM_001330763.2, NM_174855.4); short protein forms V43fs.
Identifiers: ClinVar variation 1409852 (VCV001409852.6), dbSNP rs1323401541, ClinGen allele CA742624618.

ClinVar aggregate classification (germline): Pathogenic (1 of 4 stars; one submission).

Submission:

Labcorp Genetics (formerly Invitae), Labcorp
Classification: Pathogenic. Last evaluated: 2024-10-18. Review status: criteria provided, single submitter. Criteria: Invitae Variant Classification Sherloc (09022015). Collection method: clinical testing. Allele origin: germline.
Comment: This sequence change creates a premature translational stop signal (p.Val43Glyfs*16) in the IDH3B gene. It is expected to result in an absent or disrupted protein product. Loss-of-function variants in IDH3B are known to be pathogenic (PMID: 18806796). This variant is not present in population databases (gnomAD no frequency). This variant has not been reported in the literature in individuals affected with IDH3B-related conditions. ClinVar contains an entry for this variant (Variation ID: 1409852). For these reasons, this variant has been classified as Pathogenic.

Literature cited by the submitters: PubMed 18806796.